The following is an entry in ClinVar:

ClinVar aggregate classification (germline): Conflicting classifications of pathogenicity. Review status: criteria provided, conflicting classifications (1 of 4 stars). 2 submissions from 2 submitters: Uncertain significance (1); Likely benign (1). Last evaluated 2026-06-27.

Conditions:
PDZD7-related disorder. Also called: PDZD7-related disorders; PDZD7-related condition.

Allele frequency attached by ClinVar (database versions not stated): gnomAD exomes 0.00001; gnomAD 0.00004 and 0.00006.
gnomAD v4.1: 15 of 1,612,388 alleles (0.00093%); highest among the groups gnomAD compares: Admixed American, 0.015%; no homozygotes.

Submissions (2):

PreventionGenetics, part of Exact Sciences
Classification: Uncertain significance for PDZD7-related condition. Last evaluated: 2026-06-27. Review status: criteria provided, single submitter. Criteria: ACMG Guidelines, 2015. Collection method: clinical testing. Allele origin: germline.
Comment: The PDZD7 c.1337T>A variant is predicted to result in the amino acid substitution p.Leu446His. To our knowledge, this variant has not been reported in the literature. This variant is reported in two out of ~249,000 alleles in gnomAD. At this time, the clinical significance of this variant is uncertain due to the absence of conclusive functional and genetic evidence.

Labcorp Genetics (formerly Invitae), Labcorp
Classification: Likely benign. Last evaluated: 2025-08-02. Review status: criteria provided, single submitter. Criteria: Invitae Variant Classification Sherloc (09022015). Collection method: clinical testing. Allele origin: germline.

NM_001195263.2(PDZD7):c.1325-16T>A

Gene: PDZD7 (PDZ domain containing 7; minus strand). Cytogenetic location: 10q24.31.
Variant type: single nucleotide variant.
Coding change: c.1325-16T>A on transcript NM_001195263.2 (MANE Select); 16 bases into the intron before coding-DNA position 1325, T replaced by A.
Molecular consequence: intron variant. On other transcripts: missense variant (1).
Genome position (GRCh38, 1-based): chr10:101,018,312, A>T on the plus strand (T>A on the coding strand, the complement: PDZD7 is on the minus strand). VCF-style: chr10-101018312-A-T. GRCh37 (hg19) VCF-style: chr10-102778069-A-T.
Other names: c.1337T>A, p.Leu446His (NM_001351044.2); c.1325-16T>A (NM_024895.5); c.1337T>A (NM_001351044.1); short protein forms L446H.
Identifiers: ClinVar variation 1642040 (VCV001642040.9), dbSNP rs887446494, ClinGen allele CA212983561.